The following is an entry in ClinVar:

NM_152703.5(SAMD9L):c.4090T>C (p.Tyr1364His)

Gene: SAMD9L (sterile alpha motif domain containing 9 like; minus strand). Cytogenetic location: 7q21.2.
Variant type: single nucleotide variant.
Coding change: c.4090T>C on transcript NM_152703.5 (MANE Select); coding-DNA position 4090, T replaced by C.
Protein change: p.Tyr1364His; replaces tyrosine 1364 with histidine.
Molecular consequence: missense variant.
Genome position (GRCh38, 1-based): chr7:93,131,882, A>G on the plus strand (T>C on the coding strand, the complement: SAMD9L is on the minus strand). VCF-style: chr7-93131882-A-G. GRCh37 (hg19) VCF-style: chr7-92761195-A-G.
Other names: c.4090T>C, p.Tyr1364His (NM_001303496.3, NM_001303497.3, NM_001303498.3 and 5 more transcripts); c.4090T>C (NM_152703.2); short protein forms Y1364H.
Identifiers: ClinVar variation 1327890 (VCV001327890.4), dbSNP rs758596860, ClinGen allele CA4343362.

ClinVar aggregate classification (germline): Uncertain significance. Review status: criteria provided, multiple submitters, no conflicts (2 of 4 stars). 2 submissions from 2 submitters: Uncertain significance (2). Last evaluated 2026-05-19.

Conditions:
Inborn genetic diseases. Identifiers: MedGen C0950123, MeSH D030342.

Allele frequency attached by ClinVar (database versions not stated): gnomAD exomes below 0.00001; ExAC 0.00001.

Submissions (2):

Ambry Genetics
Classification: Uncertain significance for Inborn genetic diseases. Last evaluated: 2026-05-19. Review status: criteria provided, single submitter. Criteria: Ambry Variant Classification Scheme 2023. Collection method: clinical testing. Allele origin: germline.
Comment: The p.Y1364H variant (also known as c.4090T>C), located in coding exon 1 of the SAMD9L gene, results from a T to C substitution at nucleotide position 4090. The tyrosine at codon 1364 is replaced by histidine, an amino acid with similar properties. This amino acid position is conserved. In addition, this alteration is predicted to be tolerated by in silico analysis. Based on the available evidence, the clinical significance of this variant remains unclear.

GeneDx
Classification: Uncertain significance. Last evaluated: 2025-02-23. Review status: criteria provided, single submitter. Criteria: GeneDx Variant Classification Process June 2021. Collection method: clinical testing. Allele origin: germline. Affected: yes.
Comment: Not observed at significant frequency in large population cohorts (gnomAD); In silico analysis indicates that this missense variant does not alter protein structure/function; Has not been previously published as pathogenic or benign to our knowledge